The following is an entry in ClinVar:

ClinVar aggregate classification (germline): Uncertain significance (1 of 4 stars; one submission).

gnomAD v4.1: 2 of 1,614,072 alleles (0.00012%); highest among the groups gnomAD compares: South Asian, 0.0022%; no homozygotes.

Submission:

Mayo Clinic Laboratories, Mayo Clinic
Classification: Uncertain significance. Last evaluated: 2024-04-11. Review status: criteria provided, single submitter. Criteria: ACMG Guidelines, 2015. Collection method: clinical testing. Allele origin: germline. Observed: 1 variant allele.
Comment: PP3, PM2_moderate

NM_000374.5(UROD):c.397T>C (p.Tyr133His)

Gene: UROD (uroporphyrinogen decarboxylase; plus strand). Cytogenetic location: 1p34.1.
Variant type: single nucleotide variant.
Coding change: c.397T>C on transcript NM_000374.5 (MANE Select); coding-DNA position 397, T replaced by C.
Protein change: p.Tyr133His; replaces tyrosine 133 with histidine.
Molecular consequence: missense variant. On other transcripts: non-coding transcript variant (3).
Genome position (GRCh38, 1-based): chr1:45,013,714, T>C. VCF-style: chr1-45013714-T-C. GRCh37 (hg19) VCF-style: chr1-45479386-T-C.
Other names: p.Tyr133His; short protein forms Y133H.
Identifiers: ClinVar variation 3379632 (VCV003379632.1).